The following is an entry in ClinVar:

ClinVar aggregate classification (germline): Conflicting classifications of pathogenicity. Review status: criteria provided, conflicting classifications (1 of 4 stars). 5 submissions from 5 submitters: Pathogenic (1); Likely pathogenic (1); Uncertain significance (3). Last evaluated 2026-08-14.

Conditions:
Myopathy caused by variation in POMGNT1. Identifiers: MedGen CN305639, MONDO:0700068.
Muscular dystrophy-dystroglycanopathy. Also called: Congenital muscular dystrophy due to dystroglycanopathy. Identifiers: Orphanet 370953, MedGen C5679911, MONDO:0018276.
Muscle eye brain disease (MEB). Also called: Santavuori congenital muscular dystrophy. Identifiers: Orphanet 588, Orphanet 899, MedGen C0457133, MONDO:0018939.
Muscular dystrophy-dystroglycanopathy (congenital with impaired intellectual development), type B, 3. Also called: Muscular dystrophy-dystroglycanopathy (congenital with intellectual disability), type B3; MUSCULAR DYSTROPHY, CONGENITAL, POMGNT1-RELATED. Identifiers: MedGen C3150412, MONDO:0013155, OMIM 613151.
Autosomal recessive limb-girdle muscular dystrophy type 2O. Also called: Limb-Girdle Muscular Dystrophy Type 3C; MUSCULAR DYSTROPHY-DYSTROGLYCANOPATHY (LIMB-GIRDLE), TYPE C, 3; MUSCULAR DYSTROPHY-DYSTROGLYCANOPATHY, LIMB-GIRDLE, POMGNT1-RELATED. Identifiers: Orphanet 206564, MedGen C3150417, MONDO:0013161, OMIM 613157.

Allele frequency attached by ClinVar (database versions not stated): TOPMed 0.00003; gnomAD 0.00005 and 0.00004; gnomAD exomes 0.00002; ExAC 0.00003.
gnomAD v4.1: 64 of 1,613,552 alleles (0.004%); highest among the groups gnomAD compares: Non-Finnish European, 0.0047%; no homozygotes.

Submissions (5):

Myriad Genetics, Inc.
Classification: Uncertain significance for Myopathy caused by variation in POMGNT1. Last evaluated: 2026-08-14. Review status: criteria provided, single submitter. Criteria: Myriad Autosomal Dominant, Autosomal Recessive and X-Linked Classification Criteria (2023). Collection method: clinical testing. Allele origin: unknown.
Comment: NM_017739.3(POMGNT1):c.1099C>T(R367C) is a missense variant classified as a variant of uncertain significance in the context of POMGNT1-related disorders. R367C has been observed in cases with relevant disease (PMID: 40244109). Relevant functional assessments of this variant are not available in the literature. R367C has been observed in referenced population frequency databases. In summary, there is insufficient evidence to classify NM_017739.3(POMGNT1):c.1099C>T(R367C) as pathogenic or benign. Please note: this variant was assessed in the context of healthy population screening.

Natera, Inc.
Classification: Likely pathogenic for Muscle-eye-brain disease. Last evaluated: 2025-09-26. Review status: criteria provided, single submitter. Criteria: Natera Variant Classification Schema (03/2026). Collection method: clinical testing. Allele origin: germline.
Comment: The c.1099C>T variant in POMGNT1 is a missense variant predicted to cause substitution of arginine to cysteine at amino acid 367. This variant is rare in the general population with a frequency below the threshold expected for the associated phenotype(s). This variant has been observed in one or more individuals affected with the associated recessive disease, as either homozygous or compound heterozygous with a second variant (PMID: 40244109). Additionally, this variant has been observed to segregate in affected family members (PMID: 40244109). A different variant at the same position has been determined to be Pathogenic or Likely Pathogenic. Computational prediction algorithms indicate this variant is likely to affect gene or protein function. Given the available evidence, this variant is classified as Likely Pathogenic.

Broad Center for Mendelian Genomics, Broad Institute of MIT and Harvard
Classification: Uncertain significance for Muscular dystrophy-dystroglycanopathy. Last evaluated: 2025-04-29. Review status: criteria provided, single submitter. Criteria: ACMG Guidelines, 2015. Collection method: curation. Allele origin: germline. Inheritance: Autosomal recessive inheritance.
Comment: The p.Arg367Cys variant in POMGNT1 has not been previously reported in the literature in individuals with muscular dystrophy-dystroglycanopathy, but has been identified in 0.01% (7/64016) of European (Finnish) chromosomes by the Genome Aggregation Database (gnomAD; dbSNP ID: rs36038536). Although this variant has been seen in the general population in a heterozygous state, its frequency is low enough to be consistent with a recessive carrier frequency. This variant has also been reported in ClinVar (VCV000538746.9) as pathogenic by Labcorp Genetics, and as a variant of uncertain significance by Natera Inc. Computational prediction tools and conservation analyses suggest that this variant may impact the protein, though this information is not predictive enough to determine pathogenicity. In summary, the clinical significance of the p.Arg367Cys variant is uncertain. ACMG/AMP Criteria applied: PM2_Supporting, PP3_moderate (Richards 2015).

Labcorp Genetics (formerly Invitae), Labcorp
Classification: Pathogenic for Autosomal recessive limb-girdle muscular dystrophy type 2O; Muscular dystrophy-dystroglycanopathy (congenital with impaired intellectual development), type B, 3. Last evaluated: 2025-04-28. Review status: criteria provided, single submitter. Criteria: Invitae Variant Classification Sherloc (09022015). Collection method: clinical testing. Allele origin: germline.
Comment: This sequence change replaces arginine, which is basic and polar, with cysteine, which is neutral and slightly polar, at codon 367 of the POMGNT1 protein (p.Arg367Cys). This variant is present in population databases (rs36038536, gnomAD 0.01%). This missense change has been observed in individual(s) with POMGNT1-related conditions (internal data). In at least one individual the data is consistent with being in trans (on the opposite chromosome) from a pathogenic variant. ClinVar contains an entry for this variant (Variation ID: 538746). Invitae Evidence Modeling of protein sequence and biophysical properties (such as structural, functional, and spatial information, amino acid conservation, physicochemical variation, residue mobility, and thermodynamic stability) indicates that this missense variant is expected to disrupt POMGNT1 protein function with a positive predictive value of 95%. This variant disrupts the p.Arg367 amino acid residue in POMGNT1. Other variant(s) that disrupt this residue have been observed in individuals with POMGNT1-related conditions (PMID: 17878207), which suggests that this may be a clinically significant amino acid residue. For these reasons, this variant has been classified as Pathogenic.

Blueprint Genetics
Classification: Uncertain significance. Last evaluated: 2024-09-13. Review status: criteria provided, single submitter. Criteria: ACMG Guidelines, 2015. Collection method: clinical testing. Allele origin: germline.

Literature cited by the submitters: PubMed 40244109 (cited by Myriad Genetics, Inc. and Natera, Inc.); PubMed 17878207 (cited by Labcorp Genetics (formerly Invitae), Labcorp).

NM_017739.4(POMGNT1):c.1099C>T (p.Arg367Cys)

Genes: POMGNT1 (protein O-linked mannose N-acetylglucosaminyltransferase 1 (beta 1,2-); minus strand), TSPAN1 (tetraspanin 1; plus strand). Cytogenetic location: 1p34.1.
Variant type: single nucleotide variant.
Coding change: c.1099C>T on transcript NM_017739.4 (MANE Select); coding-DNA position 1099, C replaced by T.
Protein change: p.Arg367Cys; replaces arginine 367 with cysteine.
Molecular consequence: missense variant.
Genome position (GRCh38, 1-based): chr1:46,193,316, G>A on the plus strand (C>T on the coding strand, the complement: POMGNT1 is on the minus strand). VCF-style: chr1-46193316-G-A. GRCh37 (hg19) VCF-style: chr1-46658988-G-A.
Other names: NM_017739.4(POMGNT1):c.1099C>T; p.Arg367Cys; c.1099C>T, p.Arg367Cys (NM_001243766.2, NM_001410783.1); c.1033C>T, p.Arg345Cys (NM_001290129.3); c.670C>T, p.Arg224Cys (NM_001290130.2); short protein forms R367C, R224C, R345C.
Identifiers: ClinVar variation 538746 (VCV000538746.14), dbSNP rs36038536, ClinGen allele CA833501.